The following is an entry in ClinVar:

NM_014908.4(DOLK):c.159C>G (p.Ala53=)

Gene: DOLK (dolichol kinase; minus strand). Cytogenetic location: 9q34.11.
Variant type: single nucleotide variant.
Coding change: c.159C>G on transcript NM_014908.4 (MANE Select); coding-DNA position 159, C replaced by G.
Protein change: p.Ala53=; no amino-acid change (alanine 53 retained).
Molecular consequence: synonymous variant.
Genome position (GRCh38, 1-based): chr9:128,947,145, G>C on the plus strand (C>G on the coding strand, the complement: DOLK is on the minus strand). VCF-style: chr9-128947145-G-C. GRCh37 (hg19) VCF-style: chr9-131709424-G-C.
Other names: p.Ala53=.
Identifiers: ClinVar variation 385448 (VCV000385448.25), dbSNP rs199857223, ClinGen allele CA5271792.

ClinVar aggregate classification (germline): Likely benign. Review status: criteria provided, multiple submitters, no conflicts (2 of 4 stars). 7 submissions from 7 submitters: Likely benign (7). Last evaluated 2026-01-27.

Conditions:
Cardiovascular phenotype. Identifiers: MedGen CN230736.
DK1-congenital disorder of glycosylation. Also called: DK1-CDG; DOLK-congenital disorder of glycosylation; Carbohydrate deficient glycoprotein syndrome type 1m; CDG Im; CONGENITAL DISORDER OF GLYCOSYLATION, TYPE Im; DK1 DEFICIENCY. Identifiers: Orphanet 91131, MedGen C1835849, MONDO:0012556, OMIM 610768.

Allele frequency attached by ClinVar (database versions not stated): ExAC 0.00012; gnomAD exomes 0.00014 and 0.00036; ESP Exome Variant Server 0.00015; gnomAD 0.00019 and 0.00020; TOPMed 0.00019.

Submissions (7):

Labcorp Genetics (formerly Invitae), Labcorp
Classification: Likely benign for DK1-congenital disorder of glycosylation. Last evaluated: 2026-01-27. Review status: criteria provided, single submitter. Criteria: Invitae Variant Classification Sherloc (09022015). Collection method: clinical testing. Allele origin: germline.

CeGaT Center for Human Genetics Tuebingen
Classification: Likely benign. Last evaluated: 2025-10-01. Review status: criteria provided, single submitter. Criteria: CeGaT Center For Human Genetics Tuebingen Variant Classification Criteria Version 2. Collection method: clinical testing. Allele origin: germline. Affected: yes. Observed: 1 variant allele.
Comment: DOLK: BP4, BP7

Mayo Clinic Laboratories, Mayo Clinic
Classification: Likely benign. Last evaluated: 2024-12-24. Review status: criteria provided, single submitter. Criteria: ACMG Guidelines, 2015. Collection method: clinical testing. Allele origin: germline. Observed: 1 variant allele.
Comment: BP4, BP7

Blueprint Genetics
Classification: Likely benign. Last evaluated: 2024-10-03. Review status: criteria provided, single submitter. Criteria: ACMG Guidelines, 2015. Collection method: clinical testing. Allele origin: germline.

Women's Health and Genetics/Laboratory Corporation of America, LabCorp
Classification: Likely benign. Last evaluated: 2023-11-20. Review status: criteria provided, single submitter. Criteria: LabCorp Variant Classification Summary - May 2015. Collection method: clinical testing. Allele origin: germline.

GeneDx
Classification: Likely benign. Last evaluated: 2020-10-22. Review status: criteria provided, single submitter. Criteria: GeneDx Variant Classification Process June 2021. Collection method: clinical testing. Allele origin: germline. Affected: yes.

Ambry Genetics
Classification: Likely benign for Cardiovascular phenotype. Last evaluated: 2019-01-09. Review status: criteria provided, single submitter. Criteria: Ambry Variant Classification Scheme 2023. Collection method: clinical testing. Allele origin: germline.